The following is an entry in ClinVar:

NM_001323289.2(CDKL5):c.666del (p.Ile223fs)

Gene: CDKL5 (cyclin dependent kinase like 5; plus strand). Cytogenetic location: Xp22.13.
Variant type: Deletion.
Coding change: c.666del on transcript NM_001323289.2 (MANE Select); coding-DNA position 666, one base deleted (T; older notation c.666delT).
Protein change: p.Ile223fs; shifts the reading frame from isoleucine 223.
Molecular consequence: frameshift variant.
Genome position (GRCh38, 1-based): chrX:18,588,065, T deleted. VCF-style (leftmost placement, unchanged base first): chrX-18588064-CT-C. GRCh37 (hg19) VCF-style: chrX-18606184-CT-C.
Other names: c.666del, p.Ile223fs (NM_001037343.2, NM_003159.3); c.666delT (NM_003159.2); short protein forms I223fs.
Identifiers: ClinVar variation 587758 (VCV000587758.5), dbSNP rs1569215645, ClinGen allele CA891843669.

ClinVar aggregate classification (germline): Pathogenic (1 of 4 stars; one submission).

Conditions:
Inborn genetic diseases. Identifiers: MedGen C0950123, MeSH D030342.

Submission:

Ambry Genetics
Classification: Pathogenic for Inborn genetic diseases. Last evaluated: 2016-05-27. Review status: criteria provided, single submitter. Criteria: Ambry Variant Classification Scheme 2023. Collection method: clinical testing. Allele origin: germline.
Comment: The c.666delT pathogenic mutation, located in coding exon 8 of the CDKL5 gene, results from a deletion of one nucleotide at position 666, causing a translational frameshift with a predicted alternate stop codon (p.I223FFS*5). Since frameshifts are typically deleterious in nature, this alteration is interpreted as a disease-causing mutation (ACMG Recommendations for Standards for Interpretation and Reporting of Sequence Variations. Revision 2007. Genet Med. 2008;10:294).